The following is an entry in ClinVar:

ClinVar aggregate classification (germline): Benign/Likely benign. Review status: criteria provided, multiple submitters, no conflicts (2 of 4 stars). 8 submissions from 8 submitters: Benign (7); Likely benign (1). Last evaluated 2026-01-19.

Conditions:
Oculotrichoanal syndrome (MOTA). Also called: MARLES SYNDROME; Manitoba Oculotrichoanal (MOTA) Syndrome. Identifiers: Orphanet 2717, MedGen C1855425, MONDO:0009560, OMIM 248450.

Allele frequency attached by ClinVar (database versions not stated): ESP Exome Variant Server 0.00225; gnomAD exomes 0.00401 and 0.00928; 1000 Genomes Project 30x 0.00515; 1000 Genomes Project 0.00519; gnomAD 0.00609 and 0.00620; ExAC 0.00706; TOPMed 0.00800.
gnomAD v4.1: 6,718 of 1,613,978 alleles (0.42%); highest among the groups gnomAD compares: Admixed American, 4.8%; 97 homozygotes.

Submissions (8):

Labcorp Genetics (formerly Invitae), Labcorp
Classification: Benign. Last evaluated: 2026-01-19. Review status: criteria provided, single submitter. Criteria: Invitae Variant Classification Sherloc (09022015). Collection method: clinical testing. Allele origin: germline.

Blueprint Genetics
Classification: Likely benign. Last evaluated: 2024-11-19. Review status: criteria provided, single submitter. Criteria: ACMG Guidelines, 2015. Collection method: clinical testing. Allele origin: germline.

Mayo Clinic Laboratories, Mayo Clinic
Classification: Benign. Last evaluated: 2023-04-03. Review status: criteria provided, single submitter. Criteria: ACMG Guidelines, 2015. Collection method: clinical testing. Allele origin: germline. Observed: 1 variant allele.

GeneDx
Classification: Benign. Last evaluated: 2021-05-04. Review status: criteria provided, single submitter. Criteria: GeneDx Variant Classification Process June 2021. Collection method: clinical testing. Allele origin: germline. Affected: yes.

Illumina Laboratory Services, Illumina
Classification: Benign for Oculotrichoanal syndrome. Last evaluated: 2018-01-13. Review status: criteria provided, single submitter. Criteria: ICSL Variant Classification Criteria 13 December 2019. Collection method: clinical testing. Allele origin: germline.
Comment: This variant was observed in the ICSL laboratory as part of a predisposition screen in an ostensibly healthy population. It had not been previously curated by ICSL or reported in the Human Gene Mutation Database (HGMD: prior to June 1st, 2018), and was therefore a candidate for classification through an automated scoring system. Utilizing variant allele frequency, disease prevalence and penetrance estimates, and inheritance mode, an automated score was calculated to assess if this variant is too frequent to cause the disease. Based on the score and internal cut-off values, a variant classified as benign is not then subjected to further curation. The score for this variant resulted in a classification of benign for this disease.

Eurofins Ntd Llc (ga)
Classification: Benign. Last evaluated: 2016-03-30. Review status: criteria provided, single submitter. Criteria: EGL Classification Definitions 2015. Collection method: clinical testing. Allele origin: germline. Observed: 1 variant allele, 1 heterozygote.

Breakthrough Genomics
Classification: Benign. Review status: criteria provided, single submitter. Criteria: ACMG Guidelines, 2015. Collection method: not provided. Allele origin: germline. Inheritance: Autosomal recessive inheritance. Affected: yes.

PreventionGenetics, part of Exact Sciences
Classification: Benign. Review status: criteria provided, single submitter. Criteria: ACMG Guidelines, 2015. Collection method: clinical testing. Allele origin: germline.

NM_001379081.2(FREM1):c.4727A>T (p.Asn1576Ile)

Gene: FREM1 (FRAS1 related extracellular matrix 1; minus strand). Cytogenetic location: 9p22.3.
Variant type: single nucleotide variant.
Coding change: c.4727A>T on transcript NM_001379081.2 (MANE Select); coding-DNA position 4727, A replaced by T.
Protein change: p.Asn1576Ile; replaces asparagine 1576 with isoleucine.
Molecular consequence: missense variant. On other transcripts: non-coding transcript variant (2).
Genome position (GRCh38, 1-based): chr9:14,775,919, T>A on the plus strand (A>T on the coding strand, the complement: FREM1 is on the minus strand). VCF-style: chr9-14775919-T-A. GRCh37 (hg19) VCF-style: chr9-14775917-T-A.
Other names: c.335A>T, p.Asn112Ile (NM_001177704.3, NM_001370058.2, NM_001370061.2); c.4727A>T, p.Asn1576Ile (NM_144966.7); short protein forms N1576I, N112I.
Identifiers: ClinVar variation 262540 (VCV000262540.24), dbSNP rs2101770, ClinGen allele CA4990083.